The following is an entry in ClinVar:

ClinVar aggregate classification (germline): Uncertain significance (1 of 4 stars; one submission).

gnomAD v4.1: 3 of 1,613,722 alleles (0.00019%); highest among the groups gnomAD compares: East Asian, 0.0067%; no homozygotes.

Submission:

GeneDx
Classification: Uncertain significance. Last evaluated: 2024-02-25. Review status: criteria provided, single submitter. Criteria: GeneDx Variant Classification Process June 2021. Collection method: clinical testing. Allele origin: germline. Affected: yes.
Comment: Not observed at significant frequency in large population cohorts (gnomAD); In silico analysis supports that this missense variant does not alter protein structure/function; Has not been previously published as pathogenic or benign to our knowledge

NM_001127178.3(PIGG):c.2396G>C (p.Ser799Thr)

Gene: PIGG (phosphatidylinositol glycan anchor biosynthesis class G (EMM blood group); plus strand). Cytogenetic location: 4p16.3.
Variant type: single nucleotide variant.
Coding change: c.2396G>C on transcript NM_001127178.3 (MANE Select); coding-DNA position 2396, G replaced by C.
Protein change: p.Ser799Thr; replaces serine 799 with threonine.
Molecular consequence: missense variant. On other transcripts: non-coding transcript variant (6).
Genome position (GRCh38, 1-based): chr4:530,570, G>C. VCF-style: chr4-530570-G-C. GRCh37 (hg19) VCF-style: chr4-524359-G-C.
Other names: c.2129G>C, p.Ser710Thr (NM_001289051.2, NM_001345986.2); c.1997G>C, p.Ser666Thr (NM_001289052.2); c.2105G>C, p.Ser702Thr (NM_001345987.2); c.1367G>C, p.Ser456Thr (NM_001345988.2); c.863G>C, p.Ser288Thr (NM_001345990.2, NM_001345991.2); c.1298G>C, p.Ser433Thr (NM_001345994.2); c.2372G>C, p.Ser791Thr (NM_017733.5); short protein forms S288T, S433T, S456T, S666T, S702T, S710T, S791T, S799T.
Identifiers: ClinVar variation 3369560 (VCV003369560.1).
Genomic context (GRCh38, chr4:530,570, plus strand): 5'-AATCTCAAGTCATTGCTGCAGACTTCAAACTCAAGACTGTAGGTTTATGGGAGATATATA[G>C]TGGATTAGTTCTTCTGGCAGCCTTGCTCTTTAGACCACATAATCTTCCGGTCTTAGCATT-3'
Protein context (NP_001120650.1, residues 789-809): LKTVGLWEIY[Ser799Thr]GLVLLAALLF